The following is an entry in ClinVar:

NM_002485.5(NBN):c.1933G>C (p.Asp645His)

Gene: NBN (nibrin; minus strand). Cytogenetic location: 8q21.3.
Variant type: single nucleotide variant.
Coding change: c.1933G>C on transcript NM_002485.5 (MANE Select); coding-DNA position 1933, G replaced by C.
Protein change: p.Asp645His; replaces aspartic acid 645 with histidine.
Molecular consequence: missense variant.
Genome position (GRCh38, 1-based): chr8:89,946,277, C>G on the plus strand (G>C on the coding strand, the complement: NBN is on the minus strand). VCF-style: chr8-89946277-C-G. GRCh37 (hg19) VCF-style: chr8-90958505-C-G.
Other names: c.1687G>C, p.Asp563His (NM_001024688.3); short protein forms D563H, D645H.
Identifiers: ClinVar variation 1782923 (VCV001782923.2), dbSNP rs1064796613, ClinGen allele CA371676771.

ClinVar aggregate classification (germline): Uncertain significance (1 of 4 stars; one submission).

Conditions:
Hereditary cancer-predisposing syndrome. Also called: Neoplastic Syndromes, Hereditary; Tumor predisposition; Hereditary Cancer Syndrome; Hereditary neoplastic syndrome. Identifiers: Orphanet 140162, MedGen C0027672, MeSH D009386, MONDO:0015356.

Submission:

Ambry Genetics
Classification: Uncertain significance for Hereditary cancer-predisposing syndrome. Last evaluated: 2022-05-13. Review status: criteria provided, single submitter. Criteria: Ambry Variant Classification Scheme 2023. Collection method: clinical testing. Allele origin: germline.
Comment: The p.D645H variant (also known as c.1933G>C), located in coding exon 13 of the NBN gene, results from a G to C substitution at nucleotide position 1933. The aspartic acid at codon 645 is replaced by histidine, an amino acid with similar properties. This amino acid position is poorly conserved in available vertebrate species. In addition, this alteration is predicted to be tolerated by in silico analysis. Since supporting evidence is limited at this time, the clinical significance of this alteration remains unclear.